The following is an entry in ClinVar:

ClinVar aggregate classification (germline): Likely benign. Review status: criteria provided, multiple submitters, no conflicts (2 of 4 stars). 2 submissions from 2 submitters: Likely benign (2). Last evaluated 2025-12-01.

Allele frequency attached by ClinVar (database versions not stated): TOPMed 0.00108.

Submissions (2):

CeGaT Center for Human Genetics Tuebingen
Classification: Likely benign. Last evaluated: 2025-12-01. Review status: criteria provided, single submitter. Criteria: CeGaT Center For Human Genetics Tuebingen Variant Classification Criteria Version 2. Collection method: clinical testing. Allele origin: germline. Affected: yes. Observed: 10 variant alleles.
Comment: SOX4: BP4, BP7, BS1

Blueprint Genetics
Classification: Likely benign. Last evaluated: 2024-11-23. Review status: criteria provided, single submitter. Criteria: ACMG Guidelines, 2015. Collection method: clinical testing. Allele origin: germline.

NM_003107.3(SOX4):c.666C>A (p.Gly222=)

Gene: SOX4 (SRY-box transcription factor 4; plus strand). Cytogenetic location: 6p22.3.
Variant type: single nucleotide variant.
Coding change: c.666C>A on transcript NM_003107.3 (MANE Select); coding-DNA position 666, C replaced by A.
Protein change: p.Gly222=; no amino-acid change (glycine 222 retained).
Molecular consequence: synonymous variant.
Genome position (GRCh38, 1-based): chr6:21,595,200, C>A. VCF-style: chr6-21595200-C-A. GRCh37 (hg19) VCF-style: chr6-21595431-C-A.
Identifiers: ClinVar variation 1695150 (VCV001695150.32), dbSNP rs879489337, ClinGen allele CA135863629.